The following is an entry in ClinVar:

NM_013352.4(DSE):c.1736C>T (p.Pro579Leu)

Gene: DSE (dermatan sulfate epimerase; plus strand). Cytogenetic location: 6q22.1.
Variant type: single nucleotide variant.
Coding change: c.1736C>T on transcript NM_013352.4 (MANE Select); coding-DNA position 1736, C replaced by T.
Protein change: p.Pro579Leu; replaces proline 579 with leucine.
Molecular consequence: missense variant. On other transcripts: 3 prime UTR variant (2), non-coding transcript variant (1).
Genome position (GRCh38, 1-based): chr6:116,436,204, C>T. VCF-style: chr6-116436204-C-T. GRCh37 (hg19) VCF-style: chr6-116757367-C-T.
Other names: c.1736C>T, p.Pro579Leu (NM_001080976.3, NM_001322937.2, NM_001322938.2); c.1793C>T, p.Pro598Leu (NM_001322939.2); c.1175C>T, p.Pro392Leu (NM_001322940.2, NM_001322941.2); c.*601C>T (NM_001322943.2, NM_001322944.2); c.737C>T, p.Pro246Leu (NM_001374520.1); c.701C>T, p.Pro234Leu (NM_001374521.1); short protein forms P392L, P579L, P234L, P598L, P246L.
Identifiers: ClinVar variation 1498981 (VCV001498981.4), dbSNP rs762084403, ClinGen allele CA3969701.

ClinVar aggregate classification (germline): Uncertain significance. Review status: criteria provided, multiple submitters, no conflicts (2 of 4 stars). 2 submissions from 2 submitters: Uncertain significance (2). Last evaluated 2026-05-13.

Conditions:
Ehlers-Danlos syndrome, musculocontractural type 2 (EDSMC2). Identifiers: Orphanet 2953, MedGen C3809845, MONDO:0014236, OMIM 615539.

Allele frequency attached by ClinVar (database versions not stated): gnomAD 0.00001; TOPMed 0.00009; gnomAD exomes 0.00013; ExAC 0.00016.
gnomAD v4.1: 44 of 1,613,760 alleles (0.0027%); highest among the groups gnomAD compares: Admixed American, 0.067%; no homozygotes.

Submissions (2):

Women's Health and Genetics/Laboratory Corporation of America, LabCorp
Classification: Uncertain significance. Last evaluated: 2026-05-13. Review status: criteria provided, single submitter. Criteria: LabCorp Variant Classification Summary - May 2015. Collection method: clinical testing. Allele origin: germline.
Comment: Variant summary: DSE c.1736C>T (p.Pro579Leu) results in a non-conservative amino acid change in the encoded protein sequence. Algorithms developed to predict the effect of missense changes on protein structure and function are either unavailable or do not agree on the potential impact of this missense change. The variant allele was found at a frequency of 0.00013 in 251254 control chromosomes. This frequency is not significantly higher than estimated for disease-causing variants in DSE, allowing no conclusion about variant significance. To our knowledge, no occurrence of c.1736C>T in individuals affected with DSE-related conditions and no experimental evidence demonstrating its impact on protein function have been reported. ClinVar contains an entry for this variant (Variation ID: 1498981). Based on the evidence outlined above, the variant was classified as uncertain significance.

Labcorp Genetics (formerly Invitae), Labcorp
Classification: Uncertain significance for Ehlers-Danlos syndrome, musculocontractural type 2. Last evaluated: 2022-04-12. Review status: criteria provided, single submitter. Criteria: Invitae Variant Classification Sherloc (09022015). Collection method: clinical testing. Allele origin: germline.
Comment: This sequence change replaces proline, which is neutral and non-polar, with leucine, which is neutral and non-polar, at codon 579 of the DSE protein (p.Pro579Leu). This variant is present in population databases (rs762084403, gnomAD 0.07%). This variant has not been reported in the literature in individuals affected with DSE-related conditions. Algorithms developed to predict the effect of missense changes on protein structure and function output the following: SIFT: "Not Available"; PolyPhen-2: "Benign"; Align-GVGD: "Not Available". The leucine amino acid residue is found in multiple mammalian species, which suggests that this missense change does not adversely affect protein function. In summary, the available evidence is currently insufficient to determine the role of this variant in disease. Therefore, it has been classified as a Variant of Uncertain Significance.